The following is an entry in ClinVar:

ClinVar aggregate classification (germline): Uncertain significance (1 of 4 stars; one submission).

Conditions:
Hereditary cancer-predisposing syndrome. Also called: Neoplastic Syndromes, Hereditary; Tumor predisposition; Hereditary Cancer Syndrome; Hereditary neoplastic syndrome. Identifiers: Orphanet 140162, MedGen C0027672, MeSH D009386, MONDO:0015356.

Submission:

Ambry Genetics
Classification: Uncertain significance for Hereditary cancer-predisposing syndrome. Last evaluated: 2021-01-26. Review status: criteria provided, single submitter. Criteria: Ambry Variant Classification Scheme 2023. Collection method: clinical testing. Allele origin: germline.
Comment: The c.164-5_164-3delTCT intronic variant is located 3 nucleotides upstream of coding exon 3 of the PMS2 gene. This variant results from a deletion of 3 nucleotides at positions c.164-5 to c.164-3. The nucleotide positions are not well conserved in available vertebrate species. In silico splice site analysis predicts that this alteration will not have any significant effect on splicing. Since supporting evidence is limited at this time, the clinical significance of this alteration remains unclear.

NM_000535.7(PMS2):c.164-5_164-3del

Gene: PMS2 (PMS1 homolog 2, mismatch repair system component; minus strand). Cytogenetic location: 7p22.1.
Variant type: Deletion.
Coding change: c.164-5_164-3del on transcript NM_000535.7 (MANE Select); 5 bases into the intron before coding-DNA position 164 through 3 bases into the intron before coding-DNA position 164, 3 bases deleted (TCT; older notation c.164-5_164-3delTCT).
Molecular consequence: intron variant.
Genome position (GRCh38, 1-based): chr7:6,004,061-6,004,063, AGA deleted on the plus strand (TCT on the coding strand, the reverse complement: PMS2 is on the minus strand); deleting any 3 consecutive bases within chr7:6,004,061-6,004,064 gives the same sequence; the c. name uses the placement nearest the transcript's 3' end. VCF-style (leftmost placement, unchanged base first): chr7-6004060-TAGA-T. GRCh37 (hg19) VCF-style: chr7-6043691-TAGA-T.
Other names: c.-52-5_-52-3del (NM_001322008.2, NM_001322007.2); c.-242-5_-242-3del (NM_001322010.2, NM_001322004.2, NM_001322013.2 and 3 more transcripts); c.-721-5_-721-3del (NM_001322012.2, NM_001322011.2); c.-321-5_-321-3del (NM_001322015.2); c.164-5_164-3del (NM_001322006.2, NM_001322014.2).
Identifiers: ClinVar variation 1777125 (VCV001777125.2), dbSNP rs2536519443, ClinGen allele CA2580077195.